The following is an entry in ClinVar:

ClinVar aggregate classification (germline): Uncertain significance (1 of 4 stars; one submission).

Allele frequency attached by ClinVar (database versions not stated): gnomAD exomes below 0.00001; TOPMed below 0.00001; gnomAD 0.00001.
gnomAD v4.1: 4 of 1,613,786 alleles (0.00025%); highest among the groups gnomAD compares: Admixed American, 0.0017%; no homozygotes.

Submission:

Labcorp Genetics (formerly Invitae), Labcorp
Classification: Uncertain significance. Last evaluated: 2022-03-10. Review status: criteria provided, single submitter. Criteria: Invitae Variant Classification Sherloc (09022015). Collection method: clinical testing. Allele origin: germline.
Comment: In summary, the available evidence is currently insufficient to determine the role of this variant in disease. Therefore, it has been classified as a Variant of Uncertain Significance. The COL18A1 gene has multiple clinically relevant transcripts. This variant occurs in alternate transcript NM_030582.3 and corresponds to NM_130445.3:c.107-12626A>G in the primary transcript. This sequence change replaces asparagine, which is neutral and polar, with serine, which is neutral and polar, at codon 29 of the COL18A1 protein (p.Asn29Ser). This variant is present in population databases (no rsID available, gnomAD 0.1%). This variant has not been reported in the literature in individuals affected with COL18A1-related conditions. Experimental studies and prediction algorithms are not available or were not evaluated, and the functional significance of this variant is currently unknown.

NM_001379500.1(COL18A1):c.107-12626A>G

Gene: COL18A1 (collagen type XVIII alpha 1 chain; plus strand). Cytogenetic location: 21q22.3.
Variant type: single nucleotide variant.
Coding change: c.107-12626A>G on transcript NM_001379500.1 (MANE Select); 12626 bases into the intron before coding-DNA position 107, A replaced by G.
Molecular consequence: intron variant. On other transcripts: missense variant (2).
Genome position (GRCh38, 1-based): chr21:45,455,616, A>G. VCF-style: chr21-45455616-A-G. GRCh37 (hg19) VCF-style: chr21-46875530-A-G.
Other names: c.86A>G, p.Asn29Ser (NM_030582.4, NM_130444.3); short protein forms N29S.
Identifiers: ClinVar variation 1923371 (VCV001923371.4), dbSNP rs1427629521, ClinGen allele CA410505097.
Genomic context (GRCh38, chr21:45,455,616, plus strand): 5'-ACATCCTGCTGCTGCTCTTCTGCTGCCTGGCGGCTGCCCGGGCCAACCTGCTGAACCTGA[A>G]CTGGCTTTGGTTCAATAATGAGGACACCAGCCATGCAGCTACCACGATCCCTGAGCCCCA-3'